The following is an entry in ClinVar:

NM_172362.3(KCNH1):c.71G>A (p.Arg24Gln)

Gene: KCNH1 (potassium voltage-gated channel subfamily H member 1; minus strand). Cytogenetic location: 1q32.2.
Variant type: single nucleotide variant.
Coding change: c.71G>A on transcript NM_172362.3 (MANE Select); coding-DNA position 71, G replaced by A.
Protein change: p.Arg24Gln; replaces arginine 24 with glutamine.
Molecular consequence: missense variant.
Genome position (GRCh38, 1-based): chr1:211,133,875, C>T on the plus strand (G>A on the coding strand, the complement: KCNH1 is on the minus strand). VCF-style: chr1-211133875-C-T. GRCh37 (hg19) VCF-style: chr1-211307217-C-T.
Other names: c.71G>A, p.Arg24Gln (NM_002238.4); short protein forms R24Q.
Identifiers: ClinVar variation 3384490 (VCV003384490.1).

ClinVar aggregate classification (germline): Uncertain significance (1 of 4 stars; one submission).

Submission:

GeneDx
Classification: Uncertain significance. Last evaluated: 2024-05-29. Review status: criteria provided, single submitter. Criteria: GeneDx Variant Classification Process June 2021. Collection method: clinical testing. Allele origin: germline. Affected: yes.
Comment: Not observed at significant frequency in large population cohorts (gnomAD); In silico analysis indicates that this missense variant does not alter protein structure/function; Has not been previously published as pathogenic or benign to our knowledge